The following is an entry in ClinVar:

ClinVar aggregate classification (germline): Likely benign. Review status: criteria provided, multiple submitters, no conflicts (2 of 4 stars). 2 submissions from 2 submitters: Likely benign (2). Last evaluated 2025-09-01.

gnomAD v4.1: 17 of 1,614,036 alleles (0.0011%); highest among the groups gnomAD compares: Non-Finnish European, 0.0014%; no homozygotes.

Submissions (2):

CeGaT Center for Human Genetics Tuebingen
Classification: Likely benign. Last evaluated: 2025-09-01. Review status: criteria provided, single submitter. Criteria: CeGaT Center For Human Genetics Tuebingen Variant Classification Criteria Version 2. Collection method: clinical testing. Allele origin: germline. Affected: yes. Observed: 1 variant allele.
Comment: C8B: BP4, BP7

Labcorp Genetics (formerly Invitae), Labcorp
Classification: Likely benign. Last evaluated: 2023-05-08. Review status: criteria provided, single submitter. Criteria: Invitae Variant Classification Sherloc (09022015). Collection method: clinical testing. Allele origin: germline.

NM_000066.4(C8B):c.1008C>G (p.Leu336=)

Gene: C8B (complement C8 beta chain; minus strand). Cytogenetic location: 1p32.2.
Variant type: single nucleotide variant.
Coding change: c.1008C>G on transcript NM_000066.4 (MANE Select); coding-DNA position 1008, C replaced by G.
Protein change: p.Leu336=; no amino-acid change (leucine 336 retained).
Molecular consequence: synonymous variant.
Genome position (GRCh38, 1-based): chr1:56,945,918, G>C on the plus strand (C>G on the coding strand, the complement: C8B is on the minus strand). VCF-style: chr1-56945918-G-C. GRCh37 (hg19) VCF-style: chr1-57411591-G-C.
Other names: c.852C>G, p.Leu284= (NM_001278543.2); c.822C>G, p.Leu274= (NM_001278544.2).
Identifiers: ClinVar variation 1930378 (VCV001930378.13), dbSNP rs751087776, ClinGen allele CA875785.